The following is an entry in ClinVar:

ClinVar aggregate classification (germline): Pathogenic (1 of 4 stars; one submission).

Conditions:
Centronuclear myopathy (CNM). Also called: Centronuclear myopathy, congenital; Myotubular myopathy. Identifiers: Orphanet 595, MedGen C0175709, MONDO:0018947. Inheritance: All.

Submission:

Muscle and Diseases Team, Institut de Génétique et Biologie Moléculaire et Cellulaire
Classification: Pathogenic for Centronuclear myopathy. Last evaluated: 2024-03-01. Review status: criteria provided, single submitter. Criteria: ACMG Guidelines, 2015. Collection method: research. Allele origin: unknown. Affected: yes. Observed: 1 variant allele.
Comment: PVS1+PS3+PM3+PP1_Moderate

Literature cited by the submitters: DOI 10.1186/s13073-024-01353-0; PubMed 31794073.

NM_016213.5(TRIP4):c.55_56insCT (p.Gln19fs)

Gene: TRIP4 (thyroid hormone receptor interactor 4; plus strand). Cytogenetic location: 15q22.31.
Variant type: Insertion.
Coding change: c.55_56insCT on transcript NM_016213.5 (MANE Select); coding-DNA positions 55 to 56, CT inserted.
Protein change: p.Gln19fs; shifts the reading frame from glutamine 19.
Molecular consequence: frameshift variant. On other transcripts: 5 prime UTR variant (1), non-coding transcript variant (1).
Genome position: GRCh38 VCF-style: chr15-64387918-C-CCT. GRCh37 (hg19) VCF-style: chr15-64680117-C-CCT.
Other names: c.-720_-719insCT (NM_001321924.2); short protein forms Q19fs.
Identifiers: ClinVar variation 3233246 (VCV003233246.2), dbSNP rs2505390122.
Genomic context (GRCh38, chr15:64,387,918, plus strand): 5'-GGGAAGATGGCGGTGGCTGGGGCGGTGTCCGGGGAGCCGCTGGTGCACTGGTGCACCCAG[C>CCT]AGTTGCGGAAGACTTTCGGCCTGGATGTCAGCGAGGAGATCATTCAGTGAGAACAGTTCG-3'